The following is an entry in ClinVar:

ClinVar aggregate classification (germline): Likely pathogenic (1 of 4 stars; one submission).

Conditions:
Fanconi anemia complementation group A (FANCA). Also called: Fanconi anemia, group A; FANCA-Related Fanconi Anemia. Identifiers: Orphanet 84, MedGen C3469521, MONDO:0009215, OMIM 227650.

Submission:

GeneID Lab - Advanced Molecular Diagnostics
Classification: Likely pathogenic for Fanconi anemia complementation group A. Last evaluated: 2021-03-25. Review status: criteria provided, single submitter. Criteria: ACMG Guidelines, 2015. Collection method: clinical testing. Allele origin: germline. Affected: no. Observed: 1 variant allele.
Comment: The c.1509C>G variant in the FANCA gene, detected in this patient, is predicted to result in a non-functional FANCA protein, either through protein truncation or nonsense-mediated mRNA decay. This variant is considered a non-tolerated amino acid change based on “in silico” prediction algorithms (disease causing). It creates a stop codon noted as p.Tyr503Ter or Y503*. To the best of our knowledge, the c.1509C>G has not been previously reported in the medical literature and it has not been listed in the ClinVar Database (NCBI National Library of Medicine, NIH). Premature termination codon in FANCA, and loss-of-function variants are known to be pathogenic (PMID: 24584348). For this reason, we consider this finding as a “likely pathogenic” variant.

Literature cited by the submitters: PubMed 24584348.

NM_000135.4(FANCA):c.1509C>G (p.Tyr503Ter)

Gene: FANCA (FA complementation group A; minus strand). Cytogenetic location: 16q24.3.
Variant type: single nucleotide variant.
Coding change: c.1509C>G on transcript NM_000135.4 (MANE Select); coding-DNA position 1509, C replaced by G.
Protein change: p.Tyr503Ter; replaces tyrosine 503 with a stop codon.
Molecular consequence: nonsense.
Genome position (GRCh38, 1-based): chr16:89,783,064, G>C on the plus strand (C>G on the coding strand, the complement: FANCA is on the minus strand). VCF-style: chr16-89783064-G-C. GRCh37 (hg19) VCF-style: chr16-89849472-G-C.
Other names: c.1509C>G, p.Tyr503Ter (NM_001286167.3); short protein forms Y503*.
Identifiers: ClinVar variation 1319973 (VCV001319973.2), dbSNP rs1598136954, ClinGen allele CA397458159.